The following is an entry in ClinVar:

NM_001283009.2(RTEL1):c.2969C>G (p.Ala990Gly)

Genes: RTEL1 (regulator of telomere elongation helicase 1; plus strand), RTEL1-TNFRSF6B (RTEL1-TNFRSF6B readthrough (NMD candidate); plus strand). Cytogenetic location: 20q13.33.
Variant type: single nucleotide variant.
Coding change: c.2969C>G on transcript NM_001283009.2 (MANE Select); coding-DNA position 2969, C replaced by G.
Protein change: p.Ala990Gly; replaces alanine 990 with glycine.
Molecular consequence: missense variant. On other transcripts: non-coding transcript variant (1).
Genome position (GRCh38, 1-based): chr20:63,693,260, C>G. VCF-style: chr20-63693260-C-G. GRCh37 (hg19) VCF-style: chr20-62324613-C-G.
Other names: c.2300C>G, p.Ala767Gly (NM_001283010.1); c.2969C>G, p.Ala990Gly (NM_016434.4); c.3041C>G, p.Ala1014Gly (NM_032957.5); short protein forms A1014G, A767G, A990G.
Identifiers: ClinVar variation 3752873 (VCV003752873.2).
Genomic context (GRCh38, chr20:63,693,260, plus strand): 5'-AGCTGACAGGACGAGGCTGTGGCTATCGGCCTGAGCACAGCATTCCCCGAAGGCAGCGGG[C>G]ACAGCCGGTCCTGGACCCCACTGGTAAATGGGGCCCCAGGTGGGACCCTCAGACTCCTGC-3'
Protein context (NP_001269938.1, residues 980-1000): PEHSIPRRQR[Ala990Gly]QPVLDPTGRT

ClinVar aggregate classification (germline): Uncertain significance (1 of 4 stars; one submission).

Conditions:
Pulmonary fibrosis and/or bone marrow failure, Telomere-related, 3. Also called: PULMONARY FIBROSIS AND/OR BONE MARROW FAILURE SYNDROME, TELOMERE-RELATED, 3. Identifiers: Orphanet 2032, MedGen C4225346, MONDO:0014613, OMIM 616373.
Dyskeratosis congenita, autosomal recessive 5 (DKCB5). Identifiers: MedGen C3554656, MONDO:0014076, OMIM 615190.

gnomAD v4.1: 1 of 1,611,798 alleles (0.000062%); highest among the groups gnomAD compares: Non-Finnish European, 0.000085%; no homozygotes.

Submission:

Labcorp Genetics (formerly Invitae), Labcorp
Classification: Uncertain significance for Dyskeratosis congenita, autosomal recessive 5; Pulmonary fibrosis and/or bone marrow failure, Telomere-related, 3. Last evaluated: 2024-09-04. Review status: criteria provided, single submitter. Criteria: Invitae Variant Classification Sherloc (09022015). Collection method: clinical testing. Allele origin: germline.
Comment: This sequence change replaces alanine, which is neutral and non-polar, with glycine, which is neutral and non-polar, at codon 990 of the RTEL1 protein (p.Ala990Gly). This variant is not present in population databases (gnomAD no frequency). This variant has not been reported in the literature in individuals affected with RTEL1-related conditions. An algorithm developed to predict the effect of missense changes on protein structure and function (PolyPhen-2) suggests that this variant is likely to be tolerated. In summary, the available evidence is currently insufficient to determine the role of this variant in disease. Therefore, it has been classified as a Variant of Uncertain Significance.